The following is an entry in ClinVar:

ClinVar aggregate classification (germline): Uncertain significance (1 of 4 stars; one submission).

Submission:

Ambry Genetics
Classification: Uncertain significance. Last evaluated: 2026-07-13. Review status: criteria provided, single submitter. Criteria: Ambry Variant Classification Scheme 2023. Collection method: clinical testing. Allele origin: germline.
Comment: The p.E262K variant (also known as c.784G>A), located in coding exon 6 of the RINT1 gene, results from a G to A substitution at nucleotide position 784. The glutamic acid at codon 262 is replaced by lysine, an amino acid with similar properties. This amino acid position is conserved. In addition, this alteration is predicted to be tolerated by in silico analysis. Based on the available evidence, the clinical significance of this variant remains unclear.

NM_021930.6(RINT1):c.784G>A (p.Glu262Lys)

Gene: RINT1 (RAD50 interactor 1; plus strand). Cytogenetic location: 7q22.3.
Variant type: single nucleotide variant.
Coding change: c.784G>A on transcript NM_021930.6 (MANE Select); coding-DNA position 784, G replaced by A.
Protein change: p.Glu262Lys; replaces glutamic acid 262 with lysine.
Molecular consequence: missense variant. On other transcripts: intron variant (1), 5 prime UTR variant (2), non-coding transcript variant (1).
Genome position (GRCh38, 1-based): chr7:105,547,278, G>A. VCF-style: chr7-105547278-G-A. GRCh37 (hg19) VCF-style: chr7-105187725-G-A.
Other names: c.-27-2777G>A (NM_001346603.2); c.550G>A, p.Glu184Lys (NM_001346599.2); c.-236G>A (NM_001346600.2); c.-139G>A (NM_001346601.2); short protein forms E184K, E262K.
Identifiers: ClinVar variation 5028249 (VCV005028249.1).
Genomic context (GRCh38, chr7:105,547,278, plus strand): 5'-CCATTCATCGCACCCCCTCAATCACAAACTGTTGGCTTAAGTCGACCTGCCAGTGCCCCG[G>A]AGATATACAGTTACCTGGAGACACTGTTTTGTCAGCTTTTGAAACTACAAACCTCGTATC-3'
Protein context (NP_068749.3, residues 252-272): VGLSRPASAP[Glu262Lys]IYSYLETLFC